The following is an entry in ClinVar:

ClinVar aggregate classification (germline): Uncertain significance (1 of 4 stars; one submission).

Allele frequency attached by ClinVar (database versions not stated): gnomAD exomes below 0.00001.
gnomAD v4.1: 1 of 1,613,120 alleles (0.000062%); highest among the groups gnomAD compares: Non-Finnish European, 0.000085%; no homozygotes.

Submission:

Labcorp Genetics (formerly Invitae), Labcorp
Classification: Uncertain significance. Last evaluated: 2025-08-11. Review status: criteria provided, single submitter. Criteria: Invitae Variant Classification Sherloc (09022015). Collection method: clinical testing. Allele origin: germline.
Comment: This sequence change replaces leucine, which is neutral and non-polar, with proline, which is neutral and non-polar, at codon 722 of the RUSC2 protein (p.Leu722Pro). This variant is not present in population databases (gnomAD no frequency). This variant has not been reported in the literature in individuals affected with RUSC2-related conditions. ClinVar contains an entry for this variant (Variation ID: 2802976). An algorithm developed to predict the effect of missense changes on protein structure and function (PolyPhen-2) suggests that this variant is likely to be disruptive. In summary, the available evidence is currently insufficient to determine the role of this variant in disease. Therefore, it has been classified as a Variant of Uncertain Significance.

NM_014806.5(RUSC2):c.2165T>C (p.Leu722Pro)

Gene: RUSC2 (RUN and SH3 domain containing 2; plus strand). Cytogenetic location: 9p13.3.
Variant type: single nucleotide variant.
Coding change: c.2165T>C on transcript NM_014806.5 (MANE Select); coding-DNA position 2165, T replaced by C.
Protein change: p.Leu722Pro; replaces leucine 722 with proline.
Molecular consequence: missense variant. On other transcripts: 5 prime UTR variant (1), non-coding transcript variant (1).
Genome position (GRCh38, 1-based): chr9:35,555,210, T>C. VCF-style: chr9-35555210-T-C. GRCh37 (hg19) VCF-style: chr9-35555207-T-C.
Other names: c.2165T>C, p.Leu722Pro (NM_001135999.2); c.-470T>C (NM_001330740.2); short protein forms L722P.
Identifiers: ClinVar variation 2802976 (VCV002802976.3), dbSNP rs2490401566, ClinGen allele CA373339962.